The following is an entry in ClinVar:

NM_001206927.2(DNAH8):c.11378C>T (p.Thr3793Met)

Genes: DNAH8 (dynein axonemal heavy chain 8; plus strand), DNAH8-AS1 (DNAH8 antisense RNA 1; minus strand). Cytogenetic location: 6p21.2.
Variant type: single nucleotide variant.
Coding change: c.11378C>T on transcript NM_001206927.2 (MANE Select); coding-DNA position 11378, C replaced by T.
Protein change: p.Thr3793Met; replaces threonine 3793 with methionine.
Molecular consequence: missense variant.
Genome position (GRCh38, 1-based): chr6:38,931,914, C>T. VCF-style: chr6-38931914-C-T. GRCh37 (hg19) VCF-style: chr6-38899690-C-T.
Other names: c.11378C>T (NM_001206927.1); c.10727C>T, p.Thr3576Met (NM_001371.4); short protein forms T3793M, T3576M.
Identifiers: ClinVar variation 1508306 (VCV001508306.8), dbSNP rs370303492, ClinGen allele CA3791031.

ClinVar aggregate classification (germline): Uncertain significance. Review status: criteria provided, multiple submitters, no conflicts (2 of 4 stars). 2 submissions from 2 submitters: Uncertain significance (2). Last evaluated 2025-01-21.

Conditions:
Primary ciliary dyskinesia. Also called: Ciliary dyskinesia. Identifiers: Orphanet 244, MedGen C0008780, MONDO:0016575, HP:0012265.

Allele frequency attached by ClinVar (database versions not stated): gnomAD 0.00002; gnomAD exomes 0.00002 and 0.00003; ExAC 0.00003; TOPMed 0.00005; ESP Exome Variant Server 0.00008.
gnomAD v4.1: 34 of 1,611,130 alleles (0.0021%); highest among the groups gnomAD compares: Admixed American, 0.017%; no homozygotes.

Submissions (2):

Labcorp Genetics (formerly Invitae), Labcorp
Classification: Uncertain significance for Primary ciliary dyskinesia. Last evaluated: 2025-01-21. Review status: criteria provided, single submitter. Criteria: Invitae Variant Classification Sherloc (09022015). Collection method: clinical testing. Allele origin: germline.
Comment: This sequence change replaces threonine, which is neutral and polar, with methionine, which is neutral and non-polar, at codon 3793 of the DNAH8 protein (p.Thr3793Met). This variant is present in population databases (rs370303492, gnomAD 0.02%). This variant has not been reported in the literature in individuals affected with DNAH8-related conditions. ClinVar contains an entry for this variant (Variation ID: 1508306). Invitae Evidence Modeling of protein sequence and biophysical properties (such as structural, functional, and spatial information, amino acid conservation, physicochemical variation, residue mobility, and thermodynamic stability) indicates that this missense variant is not expected to disrupt DNAH8 protein function with a negative predictive value of 80%. In summary, the available evidence is currently insufficient to determine the role of this variant in disease. Therefore, it has been classified as a Variant of Uncertain Significance.

Ambry Genetics
Classification: Uncertain significance. Last evaluated: 2024-01-08. Review status: criteria provided, single submitter. Criteria: Ambry Variant Classification Scheme 2023. Collection method: clinical testing. Allele origin: germline.